The following is an entry in ClinVar:

NM_005101.4(ISG15):c.146C>T (p.Pro49Leu)

Gene: ISG15 (ISG15 ubiquitin like modifier; plus strand). Cytogenetic location: 1p36.33.
Variant type: single nucleotide variant.
Coding change: c.146C>T on transcript NM_005101.4 (MANE Select); coding-DNA position 146, C replaced by T.
Protein change: p.Pro49Leu; replaces proline 49 with leucine.
Molecular consequence: missense variant.
Genome position (GRCh38, 1-based): chr1:1,014,126, C>T. VCF-style: chr1-1014126-C-T. GRCh37 (hg19) VCF-style: chr1-949506-C-T.
Other names: c.146C>T (NM_005101.3); short protein forms P49L.
Identifiers: ClinVar variation 2165426 (VCV002165426.2), dbSNP rs760355237, ClinGen allele CA507631.

ClinVar aggregate classification (germline): Uncertain significance. Review status: criteria provided, multiple submitters, no conflicts (2 of 4 stars). 2 submissions from 2 submitters: Uncertain significance (2). Last evaluated 2025-03-22.

Conditions:
Mendelian susceptibility to mycobacterial diseases due to complete ISG15 deficiency. Also called: IMMUNODEFICIENCY 38, MYCOBACTERIOSIS, AUTOSOMAL RECESSIVE; ISG15 DEFICIENCY, AUTOSOMAL RECESSIVE; Immunodeficiency 38 with basal ganglia calcification; Immunodeficiency 38. Identifiers: Orphanet 319563, MedGen C4015293, MONDO:0014502, OMIM 616126.

Allele frequency attached by ClinVar (database versions not stated): ExAC 0.00003; gnomAD 0.00002.

Submissions (2):

Ambry Genetics
Classification: Uncertain significance. Last evaluated: 2025-03-22. Review status: criteria provided, single submitter. Criteria: Ambry Variant Classification Scheme 2023. Collection method: clinical testing. Allele origin: germline.

Labcorp Genetics (formerly Invitae), Labcorp
Classification: Uncertain significance for Mendelian susceptibility to mycobacterial diseases due to complete ISG15 deficiency. Last evaluated: 2022-07-20. Review status: criteria provided, single submitter. Criteria: Invitae Variant Classification Sherloc (09022015). Collection method: clinical testing. Allele origin: germline.
Comment: This sequence change replaces proline, which is neutral and non-polar, with leucine, which is neutral and non-polar, at codon 49 of the ISG15 protein (p.Pro49Leu). This variant is present in population databases (rs760355237, gnomAD 0.01%). This variant has not been reported in the literature in individuals affected with ISG15-related conditions. Algorithms developed to predict the effect of missense changes on protein structure and function output the following: SIFT: "Tolerated"; PolyPhen-2: "Possibly Damaging"; Align-GVGD: "Class C0". The leucine amino acid residue is found in multiple mammalian species, which suggests that this missense change does not adversely affect protein function. In summary, the available evidence is currently insufficient to determine the role of this variant in disease. Therefore, it has been classified as a Variant of Uncertain Significance.